The following is an entry in ClinVar:

NM_001256789.3(CACNA1F):c.4841A>G (p.Gln1614Arg)

Genes: CACNA1F (calcium voltage-gated channel subunit alpha1 F; minus strand), LOC126863257 (BRD4-independent group 4 enhancer GRCh37_chrX:49065732-49066931; plus strand). Cytogenetic location: Xp11.23.
Variant type: single nucleotide variant.
Coding change: c.4841A>G on transcript NM_001256789.3 (MANE Select); coding-DNA position 4841, A replaced by G.
Protein change: p.Gln1614Arg; replaces glutamine 1614 with arginine.
Molecular consequence: missense variant.
Genome position (GRCh38, 1-based): chrX:49,209,374, T>C on the plus strand (A>G on the coding strand, the complement: CACNA1F is on the minus strand). VCF-style: chrX-49209374-T-C. GRCh37 (hg19) VCF-style: chrX-49065834-T-C.
Other names: c.4679A>G, p.Gln1560Arg (NM_001256790.3); c.4874A>G, p.Gln1625Arg (NM_005183.4); short protein forms Q1625R, Q1560R, Q1614R.
Identifiers: ClinVar variation 426853 (VCV000426853.13), dbSNP rs369539925, ClinGen allele CA10410099.
Genomic context (GRCh38, chrX:49,209,374, plus strand): 5'-TCTTCTTCCTCCTCCTCTGTGTCACAGGTGAGGGCCTGCCGCATCTCAGGACCCAAGTCC[T>C]GCAGGCTCCGCAGACCAGCCTGTGGGGGTGGAGAAATAGGTAAGCAGGCAGCTCAGGGTC-3'
Protein context (NP_001243718.1, residues 1604-1624): SALQAGLRSL[Gln1614Arg]DLGPEMRQAL

ClinVar aggregate classification (germline): Uncertain significance. Review status: criteria provided, multiple submitters, no conflicts (2 of 4 stars). 3 submissions from 3 submitters: Uncertain significance (3). Last evaluated 2026-05-21.

Conditions:
CACNA1F-related disorder. Also called: CACNA1F-related condition.

Allele frequency attached by ClinVar (database versions not stated): gnomAD 0.00003; gnomAD exomes 0.00003 and 0.00005; ExAC 0.00004; TOPMed 0.00005; ESP Exome Variant Server 0.00009.
gnomAD v4.1: 59 of 1,209,245 alleles (0.0049%); highest among the groups gnomAD compares: Non-Finnish European, 0.0064%; no homozygotes.

Submissions (3):

PreventionGenetics, part of Exact Sciences
Classification: Uncertain significance for CACNA1F-related condition. Last evaluated: 2026-05-21. Review status: criteria provided, single submitter. Criteria: ACMG Guidelines, 2015. Collection method: clinical testing. Allele origin: germline.
Comment: The CACNA1F c.4874A>G variant is predicted to result in the amino acid substitution p.Gln1625Arg. To our knowledge, this variant has not been reported in the literature. This variant is reported in 0.0064% of alleles in individuals of European (Non-Finnish) descent in gnomAD, including 2 hemizygotes, which may be too frequent to be a primary cause of disease. Although we suspect that this variant may be benign, at this time, the clinical significance of this variant is uncertain due to the absence of conclusive functional and genetic evidence.

Labcorp Genetics (formerly Invitae), Labcorp
Classification: Uncertain significance. Last evaluated: 2022-10-05. Review status: criteria provided, single submitter. Criteria: Invitae Variant Classification Sherloc (09022015). Collection method: clinical testing. Allele origin: germline.
Comment: This sequence change replaces glutamine, which is neutral and polar, with arginine, which is basic and polar, at codon 1625 of the CACNA1F protein (p.Gln1625Arg). This variant is present in population databases (rs369539925, gnomAD 0.007%). ClinVar contains an entry for this variant (Variation ID: 426853). This variant has not been reported in the literature in individuals affected with CACNA1F-related conditions. Algorithms developed to predict the effect of missense changes on protein structure and function (SIFT, PolyPhen-2, Align-GVGD) all suggest that this variant is likely to be tolerated. In summary, the available evidence is currently insufficient to determine the role of this variant in disease. Therefore, it has been classified as a Variant of Uncertain Significance.

GeneDx
Classification: Uncertain significance. Last evaluated: 2017-03-30. Review status: criteria provided, single submitter. Criteria: GeneDx Variant Classification (06012015). Collection method: clinical testing. Allele origin: germline. Affected: yes.
Comment: However, it has not been reported in association with retinal disease to our knowledge. The Q1625R variant is observed in 3/39601 (0.007%) alleles, including a hemizygous individual, in the ExAC dataset (Lek et al., 2016). The Q1625R variant is a semi-conservative amino acid substitution, which may impact secondary protein structure as these residues differ in some properties. This substitution occurs at a position that is conserved in mammals. In silico analysis is inconsistent in its predictions as to whether or not the variant is damaging to the protein structure/function. We interpret Q1625R as a variant of uncertain significance.